The following is an entry in ClinVar:

ClinVar aggregate classification (germline): Likely benign. Review status: criteria provided, multiple submitters, no conflicts (2 of 4 stars). 3 submissions from 3 submitters: Likely benign (3). Last evaluated 2024-11-26.

Conditions:
Occult macular dystrophy (OCMD). Also called: OMD; OCCULT MACULAR DYSTROPHY, SUSCEPTIBILITY TO. Identifiers: Orphanet 247834, MedGen C3150833, MONDO:0013316, OMIM 613587, HP:0030636.

Allele frequency attached by ClinVar (database versions not stated): TOPMed 0.00014; ESP Exome Variant Server 0.00016; 1000 Genomes Project 0.00040; 1000 Genomes Project 30x 0.00047.
gnomAD v4.1: 225 of 1,613,874 alleles (0.014%); highest among the groups gnomAD compares: Middle Eastern, 0.23%; 2 homozygotes.

Submissions (3):

Blueprint Genetics
Classification: Likely benign. Last evaluated: 2024-11-26. Review status: criteria provided, single submitter. Criteria: ACMG Guidelines, 2015. Collection method: clinical testing. Allele origin: germline.

CeGaT Center for Human Genetics Tuebingen
Classification: Likely benign. Last evaluated: 2023-05-01. Review status: criteria provided, single submitter. Criteria: CeGaT Center For Human Genetics Tuebingen Variant Classification Criteria Version 2. Collection method: clinical testing. Allele origin: germline. Affected: yes. Observed: 1 variant allele.
Comment: RP1L1: BP4, BP7

Illumina Laboratory Services, Illumina
Classification: Likely benign for Occult macular dystrophy. Last evaluated: 2018-01-13. Review status: criteria provided, single submitter. Criteria: ICSL Variant Classification Criteria 13 December 2019. Collection method: clinical testing. Allele origin: germline.
Comment: This variant was observed in the ICSL laboratory as part of a predisposition screen in an ostensibly healthy population. It had not been previously curated by ICSL or reported in the Human Gene Mutation Database (HGMD: prior to June 1st, 2018), and was therefore a candidate for classification through an automated scoring system. Utilizing variant allele frequency, disease prevalence and penetrance estimates, and inheritance mode, an automated score was calculated to assess if this variant is too frequent to cause the disease. Based on the score and internal cut-off values, a variant classified as likely benign is not then subjected to further curation. The score for this variant resulted in a classification of likely benign for this disease.

NM_178857.6(RP1L1):c.2061G>C (p.Pro687=)

Gene: RP1L1 (RP1 like 1). Cytogenetic location: 8p23.1.
Variant type: single nucleotide variant.
Coding change: c.2061G>C on transcript NM_178857.6 (MANE Select); coding-DNA position 2061, G replaced by C.
Protein change: p.Pro687=; no amino-acid change (proline 687 retained).
Molecular consequence: synonymous variant.
Genome position (GRCh38, 1-based): chr8:10,612,037, C>G on the plus strand (G>C on the coding strand, the complement: RP1L1 is on the minus strand). VCF-style: chr8-10612037-C-G. GRCh37 (hg19) VCF-style: chr8-10469547-C-G.
Identifiers: ClinVar variation 361359 (VCV000361359.33), dbSNP rs200963001, ClinGen allele CA4624953.